The following is an entry in ClinVar:

NM_015189.3(EXOC6B):c.576A>C (p.Glu192Asp)

Gene: EXOC6B (exocyst complex component 6B; minus strand). Cytogenetic location: 2p13.2.
Variant type: single nucleotide variant.
Coding change: c.576A>C on transcript NM_015189.3 (MANE Select); coding-DNA position 576, A replaced by C.
Protein change: p.Glu192Asp; replaces glutamic acid 192 with aspartic acid.
Molecular consequence: missense variant. On other transcripts: non-coding transcript variant (2).
Genome position (GRCh38, 1-based): chr2:72,718,196, T>G on the plus strand (A>C on the coding strand, the complement: EXOC6B is on the minus strand). VCF-style: chr2-72718196-T-G. GRCh37 (hg19) VCF-style: chr2-72945325-T-G.
Other names: c.576A>C, p.Glu192Asp (NM_001321729.2, NM_001321730.2, NM_001321731.2 and 1 more transcripts); c.237A>C, p.Glu79Asp (NM_001321734.2); c.576A>C (NM_015189.1); short protein forms E79D, E192D.
Identifiers: ClinVar variation 1482684 (VCV001482684.4), dbSNP rs368761196, ClinGen allele CA1708709.

ClinVar aggregate classification (germline): Uncertain significance. Review status: criteria provided, multiple submitters, no conflicts (2 of 4 stars). 2 submissions from 2 submitters: Uncertain significance (2). Last evaluated 2024-10-20.

Allele frequency attached by ClinVar (database versions not stated): gnomAD exomes 0.00002 and 0.00006; ExAC 0.00004; ESP Exome Variant Server 0.00017; gnomAD 0.00019 and 0.00021; TOPMed 0.00020.
gnomAD v4.1: 54 of 1,613,796 alleles (0.0033%); highest among the groups gnomAD compares: African/African-American, 0.067%; no homozygotes.

Submissions (2):

Ambry Genetics
Classification: Uncertain significance. Last evaluated: 2024-10-20. Review status: criteria provided, single submitter. Criteria: Ambry Variant Classification Scheme 2023. Collection method: clinical testing. Allele origin: germline.

Labcorp Genetics (formerly Invitae), Labcorp
Classification: Uncertain significance. Last evaluated: 2022-07-19. Review status: criteria provided, single submitter. Criteria: Invitae Variant Classification Sherloc (09022015). Collection method: clinical testing. Allele origin: germline.
Comment: This sequence change replaces glutamic acid, which is acidic and polar, with aspartic acid, which is acidic and polar, at codon 192 of the EXOC6B protein (p.Glu192Asp). This variant is present in population databases (rs368761196, gnomAD 0.08%), and has an allele count higher than expected for a pathogenic variant. This variant has not been reported in the literature in individuals affected with EXOC6B-related conditions. ClinVar contains an entry for this variant (Variation ID: 1482684). Experimental studies and prediction algorithms are not available or were not evaluated, and the functional significance of this variant is currently unknown. In summary, the available evidence is currently insufficient to determine the role of this variant in disease. Therefore, it has been classified as a Variant of Uncertain Significance.